The following is an entry in ClinVar:

ClinVar aggregate classification (germline): Uncertain significance (1 of 4 stars; one submission).

Allele frequency attached by ClinVar (database versions not stated): gnomAD 0.00001.
gnomAD v4.1: 2 of 1,448,490 alleles (0.00014%); highest among the groups gnomAD compares: South Asian, 0.0014%; no homozygotes.

Submission:

GeneDx
Classification: Uncertain significance. Last evaluated: 2022-03-22. Review status: criteria provided, single submitter. Criteria: GeneDx Variant Classification Process June 2021. Collection method: clinical testing. Allele origin: germline. Affected: yes.
Comment: Not observed at significant frequency in large population cohorts (gnomAD); In silico analysis supports that this missense variant does not alter protein structure/function; Has not been previously published as pathogenic or benign to our knowledge

NM_005378.6(MYCN):c.704C>G (p.Ala235Gly)

Gene: MYCN (MYCN proto-oncogene, bHLH transcription factor; plus strand). Cytogenetic location: 2p24.3.
Variant type: single nucleotide variant.
Coding change: c.704C>G on transcript NM_005378.6 (MANE Select); coding-DNA position 704, C replaced by G.
Protein change: p.Ala235Gly; replaces alanine 235 with glycine.
Molecular consequence: missense variant. On other transcripts: 3 prime UTR variant (1), intron variant (1).
Genome position (GRCh38, 1-based): chr2:15,942,768, C>G. VCF-style: chr2-15942768-C-G. GRCh37 (hg19) VCF-style: chr2-16082890-C-G.
Other names: c.704C>G, p.Ala235Gly (NM_001293228.2); c.*639C>G (NM_001293233.2); c.157+2025C>G (NM_001293231.2); short protein forms A235G.
Identifiers: ClinVar variation 1707151 (VCV001707151.2), dbSNP rs1662740143, ClinGen allele CA345931414.